The following is an entry in ClinVar:

ClinVar aggregate classification (germline): Uncertain significance. Review status: criteria provided, multiple submitters, no conflicts (2 of 4 stars). 2 submissions from 2 submitters: Uncertain significance (2). Last evaluated 2025-11-11.

Conditions:
Inborn genetic diseases. Identifiers: MedGen C0950123, MeSH D030342.

Submissions (2):

Dasa
Classification: Uncertain significance. Last evaluated: 2025-11-11. Review status: criteria provided, single submitter. Criteria: DASA Assertion Criteria. Collection method: clinical testing. Allele origin: germline.
Comment: NM_016148.5(SHANK1):c.6163G>A (p.Val2055Met) is a missense variant that results in the substitution of valine with methionine. This variant is absent from population databases. Computational prediction algorithms are consistent with a benign effect. The currently available literature and clinical evidence are not sufficient to establish a definitive association between this variant and the reported condition. Therefore, this variant is classified as a variant of uncertain significance.

Ambry Genetics
Classification: Uncertain significance for Inborn genetic diseases. Last evaluated: 2025-08-29. Review status: criteria provided, single submitter. Criteria: Ambry Variant Classification Scheme 2023. Collection method: clinical testing. Allele origin: germline.

NM_016148.5(SHANK1):c.6163G>A (p.Val2055Met)

Gene: SHANK1 (SH3 and multiple ankyrin repeat domains 1; minus strand). Cytogenetic location: 19q13.33.
Variant type: single nucleotide variant.
Coding change: c.6163G>A on transcript NM_016148.5 (MANE Select); coding-DNA position 6163, G replaced by A.
Protein change: p.Val2055Met; replaces valine 2055 with methionine.
Molecular consequence: missense variant.
Genome position (GRCh38, 1-based): chr19:50,662,288, C>T on the plus strand (G>A on the coding strand, the complement: SHANK1 is on the minus strand). VCF-style: chr19-50662288-C-T. GRCh37 (hg19) VCF-style: chr19-51165545-C-T.
Other names: short protein forms V2055M.
Identifiers: ClinVar variation 4164474 (VCV004164474.3).